The following is an entry in ClinVar:

NM_033004.4(NLRP1):c.2468C>A (p.Ser823Tyr)

Gene: NLRP1 (NLR family pyrin domain containing 1; minus strand). Cytogenetic location: 17p13.2.
Variant type: single nucleotide variant.
Coding change: c.2468C>A on transcript NM_033004.4 (MANE Select); coding-DNA position 2468, C replaced by A.
Protein change: p.Ser823Tyr; replaces serine 823 with tyrosine.
Molecular consequence: missense variant.
Genome position (GRCh38, 1-based): chr17:5,553,446, G>T on the plus strand (C>A on the coding strand, the complement: NLRP1 is on the minus strand). VCF-style: chr17-5553446-G-T. GRCh37 (hg19) VCF-style: chr17-5456766-G-T.
Other names: c.2468C>A, p.Ser823Tyr (NM_001033053.3, NM_014922.5, NM_033006.4 and 1 more transcripts); short protein forms S823Y.
Identifiers: ClinVar variation 1465808 (VCV001465808.8), dbSNP rs200269854, ClinGen allele CA397381388.
Genomic context (GRCh38, chr17:5,553,446, plus strand): 5'-CGCAGGGTCTCCAGGAGGCAGCGAGGGCGTCTCAGGGTCTTACAAAGACTCTTCACTGCA[G>T]AGTGGCTCAGCGAGTTTCCACTTAGGTCCAGCTCCTTCAGGTTTCTGGTGACCTTGAGGA-3'
Protein context (NP_127497.1, residues 813-833): LDLSGNSLSH[Ser823Tyr]AVKSLCKTLR

ClinVar aggregate classification (germline): Uncertain significance (1 of 4 stars; one submission).

Submission:

Labcorp Genetics (formerly Invitae), Labcorp
Classification: Uncertain significance. Last evaluated: 2021-03-20. Review status: criteria provided, single submitter. Criteria: Invitae Variant Classification Sherloc (09022015). Collection method: clinical testing. Allele origin: germline.
Comment: Algorithms developed to predict the effect of missense changes on protein structure and function are either unavailable or do not agree on the potential impact of this missense change (SIFT: "Deleterious"; PolyPhen-2: "Benign"; Align-GVGD: "Class C25"). This sequence change replaces serine with tyrosine at codon 823 of the NLRP1 protein (p.Ser823Tyr). The serine residue is highly conserved and there is a large physicochemical difference between serine and tyrosine. This variant is not present in population databases (ExAC no frequency). This variant has not been reported in the literature in individuals with NLRP1-related conditions. In summary, the available evidence is currently insufficient to determine the role of this variant in disease. Therefore, it has been classified as a Variant of Uncertain Significance.